The following is an entry in ClinVar:

ClinVar aggregate classification (germline): Benign (1 of 4 stars; one submission).

Conditions:
Noonan syndrome-like disorder with loose anagen hair 1 (NSLH1). Also called: MAZZANTI SYNDROME; TOSTI SYNDROME. Identifiers: Orphanet 2701, MedGen C4478716, MONDO:0054637, OMIM 607721.

Allele frequency attached by ClinVar (database versions not stated): gnomAD 0.00021 and 0.00326; TOPMed 0.00070; 1000 Genomes Project 30x 0.02108; 1000 Genomes Project 0.02236.
gnomAD v4.1: 490 of 152,316 alleles (0.32%); highest among the groups gnomAD compares: South Asian, 9.3%; 26 homozygotes.

Submission:

Illumina Laboratory Services, Illumina
Classification: Benign for Noonan syndrome-like disorder with loose anagen hair 1. Last evaluated: 2018-01-13. Review status: criteria provided, single submitter. Criteria: ICSL Variant Classification Criteria 13 December 2019. Collection method: clinical testing. Allele origin: germline.
Comment: This variant was observed in the ICSL laboratory as part of a predisposition screen in an ostensibly healthy population. It had not been previously curated by ICSL or reported in the Human Gene Mutation Database (HGMD: prior to June 1st, 2018), and was therefore a candidate for classification through an automated scoring system. Utilizing variant allele frequency, disease prevalence and penetrance estimates, and inheritance mode, an automated score was calculated to assess if this variant is too frequent to cause the disease. Based on the score and internal cut-off values, a variant classified as benign is not then subjected to further curation. The score for this variant resulted in a classification of benign for this disease.

NM_007373.4(SHOC2):c.*1323C>T

Gene: SHOC2 (SHOC2 leucine rich repeat scaffold protein; plus strand). Cytogenetic location: 10q25.2.
Variant type: single nucleotide variant.
Coding change: c.*1323C>T on transcript NM_007373.4 (MANE Select); 1323 bases downstream of the stop codon, C replaced by T.
Molecular consequence: 3 prime UTR variant. On other transcripts: non-coding transcript variant (1).
Genome position (GRCh38, 1-based): chr10:111,013,141, C>T. VCF-style: chr10-111013141-C-T. GRCh37 (hg19) VCF-style: chr10-112772899-C-T.
Other names: c.*1323C>T (NM_001269039.3, NM_001324336.2, NM_001324337.2).
Identifiers: ClinVar variation 298880 (VCV000298880.5), dbSNP rs371721188, ClinGen allele CA10634980.